The following is an entry in ClinVar:

ClinVar aggregate classification (germline): Uncertain significance (1 of 4 stars; one submission).

Conditions:
Nephronophthisis 18 (NPHP18). Identifiers: Orphanet 655, MedGen C3890591, MONDO:0014374, OMIM 615862.

Allele frequency attached by ClinVar (database versions not stated): gnomAD 0.00001; TOPMed 0.00001; ExAC 0.00002; gnomAD exomes 0.00002 and 0.00003.
gnomAD v4.1: 37 of 1,490,098 alleles (0.0025%); highest among the groups gnomAD compares: Admixed American, 0.0042%; no homozygotes.

Submission:

Labcorp Genetics (formerly Invitae), Labcorp
Classification: Uncertain significance for Nephronophthisis 18. Last evaluated: 2022-02-11. Review status: criteria provided, single submitter. Criteria: Invitae Variant Classification Sherloc (09022015). Collection method: clinical testing. Allele origin: germline.
Comment: This sequence change replaces arginine, which is basic and polar, with histidine, which is basic and polar, at codon 171 of the CEP83 protein (p.Arg171His). The frequency data for this variant in the population databases is considered unreliable, as metrics indicate poor data quality at this position in the gnomAD database. In summary, the available evidence is currently insufficient to determine the role of this variant in disease. Therefore, it has been classified as a Variant of Uncertain Significance. Algorithms developed to predict the effect of missense changes on protein structure and function output the following: SIFT: "Not Available"; PolyPhen-2: "Benign"; Align-GVGD: "Not Available". The histidine amino acid residue is found in multiple mammalian species, which suggests that this missense change does not adversely affect protein function. ClinVar contains an entry for this variant (Variation ID: 1007932). This variant has not been reported in the literature in individuals affected with CEP83-related conditions.

NM_016122.3(CEP83):c.512G>A (p.Arg171His)

Gene: CEP83 (centrosomal protein 83; minus strand). Cytogenetic location: 12q22.
Variant type: single nucleotide variant.
Coding change: c.512G>A on transcript NM_016122.3 (MANE Select); coding-DNA position 512, G replaced by A.
Protein change: p.Arg171His; replaces arginine 171 with histidine.
Molecular consequence: missense variant. On other transcripts: non-coding transcript variant (3), intron variant (2).
Genome position (GRCh38, 1-based): chr12:94,400,887, C>T on the plus strand (G>A on the coding strand, the complement: CEP83 is on the minus strand). VCF-style: chr12-94400887-C-T. GRCh37 (hg19) VCF-style: chr12-94794663-C-T.
Other names: c.512G>A, p.Arg171His (NM_001042399.2, NM_001346457.2, NM_001346460.2 and 3 more transcripts); c.200G>A, p.Arg67His (NM_001346458.2, NM_001346459.2, NM_001346462.2 and 2 more transcripts); c.324+10810G>A (NM_001368041.1); c.12+10810G>A (NM_001368042.1); short protein forms R171H, R67H.
Identifiers: ClinVar variation 1007932 (VCV001007932.6), dbSNP rs779396873, ClinGen allele CA6721923.